The following is an entry in ClinVar:

NM_018297.4(NGLY1):c.661A>G (p.Ile221Val)

Gene: NGLY1 (N-glycanase 1; minus strand). Cytogenetic location: 3p24.2.
Variant type: single nucleotide variant.
Coding change: c.661A>G on transcript NM_018297.4 (MANE Select); coding-DNA position 661, A replaced by G.
Protein change: p.Ile221Val; replaces isoleucine 221 with valine.
Molecular consequence: missense variant.
Genome position (GRCh38, 1-based): chr3:25,739,797, T>C on the plus strand (A>G on the coding strand, the complement: NGLY1 is on the minus strand). VCF-style: chr3-25739797-T-C. GRCh37 (hg19) VCF-style: chr3-25781288-T-C.
Other names: c.661A>G, p.Ile221Val (NM_001145293.2, NM_001145295.2); c.535A>G, p.Ile179Val (NM_001145294.2); short protein forms I221V, I179V.
Identifiers: ClinVar variation 1379408 (VCV001379408.4), dbSNP rs369388667, ClinGen allele CA71656936.

ClinVar aggregate classification (germline): Uncertain significance. Review status: criteria provided, multiple submitters, no conflicts (2 of 4 stars). 2 submissions from 2 submitters: Uncertain significance (2). Last evaluated 2026-08-06.

Conditions:
Congenital disorder of deglycosylation 1. Also called: NGLY1-Related Congenital Disorder of Deglycosylation; NGLY1-deficiency. Identifiers: Orphanet 404454, MedGen CN306977, MONDO:0800044, OMIM 615273.
Congenital disorder of deglycosylation (CDDG). Identifiers: MedGen C3808991, MONDO:0031376.

Allele frequency attached by ClinVar (database versions not stated): gnomAD exomes below 0.00001; gnomAD 0.00003; TOPMed 0.00003; ESP Exome Variant Server 0.00008.
gnomAD v4.1: 5 of 1,612,084 alleles (0.00031%); highest among the groups gnomAD compares: African/African-American, 0.0053%; no homozygotes.

Submissions (2):

OLLIN Analises Genomicas, OLLIN
Classification: Uncertain significance for Congenital disorder of deglycosylation 1. Last evaluated: 2026-08-06. Review status: criteria provided, single submitter. Criteria: ACMG Guidelines 2015 PMID 25741868. Collection method: clinical testing. Allele origin: germline.
Comment: This missense variant, located in exon 5 (of 12), has been reported in ClinVar (accession VCV001379408.3) and in gnomAD with an allele frequency of 0.00031%. However, to our knowledge, it has not been reported in the scientific literature. In silico analysis predicts that this variant has a tolerated effect. According to the currently available evidence, this variant has been classified as uncertain significance (PM2_P, BP4_M).

Labcorp Genetics (formerly Invitae), Labcorp
Classification: Uncertain significance for Congenital disorder of deglycosylation. Last evaluated: 2021-12-02. Review status: criteria provided, single submitter. Criteria: Invitae Variant Classification Sherloc (09022015). Collection method: clinical testing. Allele origin: germline.
Comment: This sequence change replaces isoleucine, which is neutral and non-polar, with valine, which is neutral and non-polar, at codon 221 of the NGLY1 protein (p.Ile221Val). This variant is present in population databases (rs369388667, gnomAD 0.007%). This variant has not been reported in the literature in individuals affected with NGLY1-related conditions. Algorithms developed to predict the effect of missense changes on protein structure and function (SIFT, PolyPhen-2, Align-GVGD) all suggest that this variant is likely to be tolerated. In summary, the available evidence is currently insufficient to determine the role of this variant in disease. Therefore, it has been classified as a Variant of Uncertain Significance.